The following is an entry in ClinVar:

NM_005518.4(HMGCS2):c.182T>G (p.Val61Gly)

Gene: HMGCS2 (3-hydroxy-3-methylglutaryl-CoA synthase 2; minus strand). Cytogenetic location: 1p12.
Variant type: single nucleotide variant.
Coding change: c.182T>G on transcript NM_005518.4 (MANE Select); coding-DNA position 182, T replaced by G.
Protein change: p.Val61Gly; replaces valine 61 with glycine.
Molecular consequence: missense variant.
Genome position (GRCh38, 1-based): chr1:119,764,549, A>C on the plus strand (T>G on the coding strand, the complement: HMGCS2 is on the minus strand). VCF-style: chr1-119764549-A-C. GRCh37 (hg19) VCF-style: chr1-120307172-A-C.
Other names: c.182T>G, p.Val61Gly (NM_001166107.1); short protein forms V61G.
Identifiers: ClinVar variation 2006077 (VCV002006077.4), dbSNP rs779833095, ClinGen allele CA341866942.
Genomic context (GRCh38, chr1:119,764,549, plus strand): 5'-GCTTCCACATTGTTATACTTCTCCAGGTCAGTTTGGTCCACATATTGGGCTGGGAAGTAG[A>C]CCTCCAGGGCCAGGATGCCCACGTCCTTTGGCCAAGTATCTGTTTTGGCCAGGGGGACAG-3'
Protein context (NP_005509.1, residues 51-71): PKDVGILALE[Val61Gly]YFPAQYVDQT

ClinVar aggregate classification (germline): Uncertain significance (1 of 4 stars; one submission).

Conditions:
3-hydroxy-3-methylglutaryl-CoA synthase deficiency (HMGCS2D). Also called: MITOCHONDRIAL HMG-CoA SYNTHASE DEFICIENCY; HMGCS2 DEFICIENCY; HMG-CoA synthase-2 deficiency. Identifiers: Orphanet 35701, MedGen C2751532, MONDO:0011614, OMIM 605911.

Submission:

Labcorp Genetics (formerly Invitae), Labcorp
Classification: Uncertain significance for 3-hydroxy-3-methylglutaryl-CoA synthase deficiency. Last evaluated: 2022-06-14. Review status: criteria provided, single submitter. Criteria: Invitae Variant Classification Sherloc (09022015). Collection method: clinical testing. Allele origin: germline.
Comment: In summary, the available evidence is currently insufficient to determine the role of this variant in disease. Therefore, it has been classified as a Variant of Uncertain Significance. Algorithms developed to predict the effect of missense changes on protein structure and function (SIFT, PolyPhen-2, Align-GVGD) all suggest that this variant is likely to be disruptive. This variant has not been reported in the literature in individuals affected with HMGCS2-related conditions. This variant is not present in population databases (gnomAD no frequency). This sequence change replaces valine, which is neutral and non-polar, with glycine, which is neutral and non-polar, at codon 61 of the HMGCS2 protein (p.Val61Gly).